The following is an entry in ClinVar:

NM_025114.4(CEP290):c.4195-3del

Gene: CEP290 (centrosomal protein 290; minus strand). Cytogenetic location: 12q21.32.
Variant type: Deletion.
Coding change: c.4195-3del on transcript NM_025114.4 (MANE Select); 3 bases into the intron before coding-DNA position 4195, one base deleted (T; older notation c.4195-3delT).
Molecular consequence: intron variant.
Genome position (GRCh38, 1-based): chr12:88,086,501, A deleted on the plus strand (T on the coding strand, the reverse complement: CEP290 is on the minus strand); the first of 7 consecutive A bases (chr12:88,086,501-88,086,507); deleting any one gives the same sequence. VCF-style (leftmost placement, unchanged base first): chr12-88086500-TA-T. GRCh37 (hg19) VCF-style: chr12-88480277-TA-T.
Other names: NC_000012.11:g.88480284del; c.4195-3delT (NM_025114.3); c.4195-9del (NM_025114.4).
Identifiers: ClinVar variation 2934433 (VCV002934433.5), dbSNP rs748771739, ClinGen allele CA6712000.

ClinVar aggregate classification (germline): Benign/Likely benign. Review status: criteria provided, multiple submitters, no conflicts (2 of 4 stars). 2 submissions from 2 submitters: Benign (1); Likely benign (1). Last evaluated 2025-11-11.

Conditions:
CEP290-related disorder. Also called: CEP290-related disorders; CEP290-related condition. Identifiers: MedGen CN239314.
Meckel-Gruber syndrome. Also called: Dysencephalia splachnocystica; DYSENCEPHALIA SPLANCHNOCYSTICA; GRUBER SYNDROME. Identifiers: Orphanet 564, MedGen C0265215, MONDO:0018921.
Joubert syndrome. Also called: Familial aplasia of the vermis; JOUBERT-BOLTSHAUSER SYNDROME. Identifiers: Orphanet 475, MedGen C5979921, MONDO:0018772.
Nephronophthisis. Also called: Juvenile Nephronophthisis. Identifiers: Orphanet 655, MedGen C0687120, MONDO:0019005, HP:0000090.

Submissions (3):

PreventionGenetics, part of Exact Sciences
Classification: Likely benign for CEP290-related condition. Last evaluated: 2025-11-11. Review status: criteria provided, single submitter. Criteria: ACMG Guidelines, 2015. Collection method: clinical testing. Allele origin: germline.
Comment: This variant is classified as likely benign based on ACMG/AMP sequence variant interpretation guidelines (Richards et al. 2015 PMID: 25741868, with internal and published modifications).

Labcorp Genetics (formerly Invitae), Labcorp
Classification: Benign for Joubert syndrome; Meckel-Gruber syndrome; Nephronophthisis. Last evaluated: 2022-12-05. Review status: criteria provided, single submitter. Criteria: Invitae Variant Classification Sherloc (09022015). Collection method: clinical testing. Allele origin: germline.

Dr. Peter K. Rogan Lab, Western University
No classification provided (evidence only). Condition: Familial cancer of breast. Review status: no classification provided. Collection method: in vitro. Allele origin: not applicable. Functional consequence: retained intron. Not counted in ClinVar's aggregate classification.